The following is an entry in ClinVar:

NM_000071.3(CBS):c.1381C>T (p.Leu461Phe)

Gene: CBS (cystathionine beta-synthase; minus strand). Cytogenetic location: 21q22.3.
Variant type: single nucleotide variant.
Coding change: c.1381C>T on transcript NM_000071.3 (MANE Select); coding-DNA position 1381, C replaced by T.
Protein change: p.Leu461Phe; replaces leucine 461 with phenylalanine.
Molecular consequence: missense variant.
Genome position (GRCh38, 1-based): chr21:43,058,231, G>A on the plus strand (C>T on the coding strand, the complement: CBS is on the minus strand). VCF-style: chr21-43058231-G-A. GRCh37 (hg19) VCF-style: chr21-44478341-G-A.
Other names: c.1381C>T, p.Leu461Phe (NM_001178008.3, NM_001178009.3, NM_001320298.2); c.1066C>T, p.Leu356Phe (NM_001321072.1); short protein forms L461F, L356F.
Identifiers: ClinVar variation 2199604 (VCV002199604.1), dbSNP rs902200637, ClinGen allele CA321687485.

ClinVar aggregate classification (germline): Uncertain significance (1 of 4 stars; one submission).

Conditions:
HYPERHOMOCYSTEINEMIA, THROMBOTIC, CBS-RELATED. Identifiers: MedGen C3150344, OMIM 236200.

Submission:

Labcorp Genetics (formerly Invitae), Labcorp
Classification: Uncertain significance for HYPERHOMOCYSTEINEMIA, THROMBOTIC, CBS-RELATED. Last evaluated: 2021-08-31. Review status: criteria provided, single submitter. Criteria: Invitae Variant Classification Sherloc (09022015). Collection method: clinical testing. Allele origin: germline.
Comment: This sequence change replaces leucine with phenylalanine at codon 461 of the CBS protein (p.Leu461Phe). The leucine residue is highly conserved and there is a small physicochemical difference between leucine and phenylalanine. This variant is not present in population databases (ExAC no frequency). This variant has not been reported in the literature in individuals affected with CBS-related conditions. Algorithms developed to predict the effect of missense changes on protein structure and function are either unavailable or do not agree on the potential impact of this missense change (SIFT: "Deleterious"; PolyPhen-2: "Probably Damaging"; Align-GVGD: "Class C0"). In summary, the available evidence is currently insufficient to determine the role of this variant in disease. Therefore, it has been classified as a Variant of Uncertain Significance.